The following continues an entry in ClinVar:

NM_000535.7(PMS2):c.861_864del (p.Arg287fs)

Gene: PMS2. ClinVar aggregate classification (germline): Pathogenic. Pathogenic (1).

Submissions 10 to 24 of 24:

Quest Diagnostics Nichols Institute San Juan Capistrano
Classification: Pathogenic. Last evaluated: 2023-11-07. Review status: criteria provided, single submitter. Criteria: Quest Diagnostics criteria. Collection method: clinical testing. Allele origin: unknown. Not counted in ClinVar's aggregate classification.
Comment: The PMS2 c.861_864del (p.Arg287Serfs*19) variant alters the translational reading frame of the PMS2 mRNA and causes the premature termination of PMS2 protein synthesis. This variant has been reported in the published literature in individuals with Lynch syndrome (PMIDs: 31992580 (2020), 26110232 (2016), and 25980754 (2015)), rectal cancer (PMID: 18602922 (2008)) and colorectal cancer (PMID: 27696107 (2016)), as well as unaffected individuals (PMIDs: 32980694 (2020) and 29922827 (2018)). This variant has also been reported in other cancer types including prostate cancer (PMID: 32338768 (2020)), ovarian cancer (PMID: 28888541 (2017)), and breast cancer (PMID: 33471991 (2021), see also LOVD). The frequency of this variant in the general population, 0.000011 (3/282844 chromosomes (Genome Aggregation Database)), is consistent with pathogenicity. Based on the available information, this variant is classified as pathogenic.

GeneDx
Classification: Pathogenic. Last evaluated: 2023-08-03. Review status: criteria provided, single submitter. Criteria: GeneDx Variant Classification Process June 2021. Collection method: clinical testing. Allele origin: germline. Affected: yes. Not counted in ClinVar's aggregate classification.
Comment: Observed in patients with Lynch-related cancers and tumor studies consistent with pathogenic variants in this gene (Senter 2008, Goodenberger 2011, Moline 2013, Rohlin 2017, Wang 2020); Frameshift variant predicted to result in protein truncation or nonsense mediated decay in a gene for which loss of function is a known mechanism of disease; Not observed at significant frequency in large population cohorts (gnomAD); Truncating variants in this gene are considered pathogenic by a well-established clinical consortium and/or database; This variant is associated with the following publications: (PMID: 32338768, 32980694, 29922827, 28888541, 18602922, 23612316, 20186688, 16472587, 25980754, 26110232, 27696107, 21325953, 31992580, 30787465, 33087929, 32091409, 34873480, 34594420, 34515413, 33804961, 37509324, 36988593)

Myriad Genetics, Inc.
Classification: Pathogenic for Lynch syndrome 4. Last evaluated: 2023-04-05. Review status: criteria provided, single submitter. Criteria: Myriad Autosomal Dominant, Autosomal Recessive and X-Linked Classification Criteria (2023). Collection method: clinical testing. Allele origin: unknown. Not counted in ClinVar's aggregate classification.
Comment: This variant is considered pathogenic. This variant creates a frameshift predicted to result in premature protein truncation.

Clinical Genetics Laboratory, Skane University Hospital Lund
Classification: Pathogenic. Last evaluated: 2022-05-27. Review status: criteria provided, single submitter. Criteria: ACMG Guidelines, 2015. Collection method: clinical testing. Allele origin: germline. Affected: yes. Not counted in ClinVar's aggregate classification.

Fulgent Genetics
Classification: Pathogenic for Lynch syndrome 4; Mismatch repair cancer syndrome 4. Last evaluated: 2021-09-08. Review status: criteria provided, single submitter. Criteria: ACMG Guidelines, 2015. Collection method: clinical testing. Allele origin: unknown. Not counted in ClinVar's aggregate classification.

Revvity Omics, Revvity
Classification: Pathogenic. Last evaluated: 2021-08-31. Review status: criteria provided, single submitter. Criteria: ACMG Guidelines, 2015. Collection method: clinical testing. Allele origin: germline. Not counted in ClinVar's aggregate classification.

Blueprint Genetics
Classification: Pathogenic for PMS2-related disorders. Last evaluated: 2021-02-23. Review status: criteria provided, single submitter. Criteria: ACMG Guidelines, 2015. Collection method: clinical testing. Allele origin: germline. Affected: yes. Observed: 2 variant alleles. Not counted in ClinVar's aggregate classification.

Department of Pathology and Laboratory Medicine, Sinai Health System
Classification: Pathogenic for Lynch syndrome 4; Mismatch repair cancer syndrome 4. Last evaluated: 2020-03-10. Review status: criteria provided, single submitter. Criteria: ACMG Guidelines, 2015. Collection method: clinical testing. Allele origin: germline. Not counted in ClinVar's aggregate classification.

Mendelics
Classification: Pathogenic for Lynch syndrome. Last evaluated: 2018-07-02. Review status: criteria provided, single submitter. Criteria: Mendelics Assertion Criteria 2017. Collection method: clinical testing. Allele origin: unknown. Not counted in ClinVar's aggregate classification.

Women's Health and Genetics/Laboratory Corporation of America, LabCorp
Classification: Pathogenic for Hereditary nonpolyposis colon cancer. Last evaluated: 2016-06-07. Review status: criteria provided, single submitter. Criteria: LabCorp Variant Classification Summary - May 2015. Collection method: clinical testing. Allele origin: germline. Not counted in ClinVar's aggregate classification.
Comment: Variant summary: The PMS2 c.861_864delACAG (p.Arg287Serfs) variant results in a premature termination codon, predicted to cause a truncated or absent PMS2 protein due to nonsense mediated decay, which are commonly known mechanisms for disease. Truncations downstream of this position have been classified as pathogenic by our laboratory (e.g. c.1021delA, c.1831dupA. c.2186_2187delTC). One in silico tool predicts a damaging outcome for this variant. This variant was found in 2/120952 control chromosomes at a frequency of 0.0000165, which does not exceed the estimated maximal expected allele frequency of a pathogenic PMS2 variant (0.0001136). The variant has been reported in affected individuals in the literature, with absent PMS2 protein via IHC and MSI-H tumors. In addition, multiple clinical diagnostic laboratories/reputable databases classified this variant as pathogenic. Taken together, this variant is classified as pathogenic.

Juno Genomics, Hangzhou Juno Genomics, Inc
Classification: Pathogenic for Lynch syndrome 4; Mismatch repair cancer syndrome 4. Review status: criteria provided, single submitter. Criteria: ACMG Guidelines, 2015. Collection method: clinical testing. Allele origin: germline. Not counted in ClinVar's aggregate classification.
Comment: Null variant in a gene where loss of function (LOF) is a known mechanism of disease.;Patient's phenotype or family history is highly specific for a disease with a single genetic etiology.

Laboratory for Genotyping Development, RIKEN
Classification: Pathogenic for Gastric cancer. Last evaluated: 2021-07-01. Review status: no assertion criteria provided. Collection method: research. Allele origin: germline. Not counted in ClinVar's aggregate classification.

Biochemical Molecular Genetic Laboratory, King Abdulaziz Medical City
Classification: Pathogenic for Mismatch repair cancer syndrome 1. Last evaluated: 2020-02-05. Review status: no assertion criteria provided. Collection method: clinical testing. Allele origin: germline. Affected: yes. Not counted in ClinVar's aggregate classification.

Counsyl
Classification: Pathogenic for Lynch syndrome 4. Last evaluated: 2018-03-12. Review status: no assertion criteria provided. Collection method: clinical testing. Allele origin: unknown. Not counted in ClinVar's aggregate classification.

Mayo Clinic Laboratories, Mayo Clinic
Classification: Pathogenic. Review status: no assertion criteria provided. Collection method: clinical testing. Allele origin: unknown. Not counted in ClinVar's aggregate classification.

Literature cited by the submitters: PubMed 18602922 (cited by 9 submitters); PubMed 23612316 (cited by 6 submitters); PubMed 21376568 (cited by Labcorp Genetics (formerly Invitae), Labcorp); PubMed 24362816 (cited by Labcorp Genetics (formerly Invitae), Labcorp); PubMed 25980754 (cited by 5 submitters); PubMed 26110232 (cited by 6 submitters); PubMed 27696107 (cited by 6 submitters); PubMed 25512458 (cited by Color Diagnostics, LLC DBA Color Health and All of Us Research Program, National Institutes of Health); PubMed 26837502 (cited by Color Diagnostics, LLC DBA Color Health and All of Us Research Program, National Institutes of Health); PubMed 27435373 (cited by Color Diagnostics, LLC DBA Color Health and All of Us Research Program, National Institutes of Health); PubMed 37509324 (cited by Color Diagnostics, LLC DBA Color Health); PubMed 16472587 (cited by Laboratory for Molecular Medicine, Mass General Brigham Personalized Medicine and Women's Health and Genetics/Laboratory Corporation of America, LabCorp); PubMed 20186688 (cited by Laboratory for Molecular Medicine, Mass General Brigham Personalized Medicine and Women's Health and Genetics/Laboratory Corporation of America, LabCorp); PubMed 33471991 (cited by Quest Diagnostics Nichols Institute San Juan Capistrano); PubMed 28888541 (cited by Quest Diagnostics Nichols Institute San Juan Capistrano); PubMed 29922827 (cited by Quest Diagnostics Nichols Institute San Juan Capistrano); PubMed 32980694 (cited by Quest Diagnostics Nichols Institute San Juan Capistrano); PubMed 32338768 (cited by Quest Diagnostics Nichols Institute San Juan Capistrano); PubMed 33087929 (cited by Quest Diagnostics Nichols Institute San Juan Capistrano); PubMed 31992580 (cited by Quest Diagnostics Nichols Institute San Juan Capistrano); PubMed 36988593 (cited by Laboratory for Genotyping Development, RIKEN).